The following is an entry in ClinVar:

ClinVar aggregate classification (germline): Benign/Likely benign. Review status: criteria provided, multiple submitters, no conflicts (2 of 4 stars). 4 submissions from 4 submitters: Benign (3); Likely benign (1). Last evaluated 2026-01-29.

Allele frequency attached by ClinVar (database versions not stated): ESP Exome Variant Server 0.00031; gnomAD 0.00043 and 0.00081; gnomAD exomes 0.00089; TOPMed 0.00107; 1000 Genomes Project 30x 0.00468; 1000 Genomes Project 0.00539.

Submissions (4):

Labcorp Genetics (formerly Invitae), Labcorp
Classification: Benign. Last evaluated: 2026-01-29. Review status: criteria provided, single submitter. Criteria: Invitae Variant Classification Sherloc (09022015). Collection method: clinical testing. Allele origin: germline.

Blueprint Genetics
Classification: Likely benign. Last evaluated: 2024-11-08. Review status: criteria provided, single submitter. Criteria: ACMG Guidelines, 2015. Collection method: clinical testing. Allele origin: germline.

CeGaT Center for Human Genetics Tuebingen
Classification: Benign. Last evaluated: 2022-05-01. Review status: criteria provided, single submitter. Criteria: CeGaT Center For Human Genetics Tuebingen Variant Classification Criteria Version 2. Collection method: clinical testing. Allele origin: germline. Affected: yes. Observed: 1 variant allele.
Comment: KIF22: BS1, BS2

Breakthrough Genomics
Classification: Benign. Review status: criteria provided, single submitter. Criteria: ACMG Guidelines, 2015. Collection method: not provided. Allele origin: germline. Inheritance: Autosomal dominant inheritance. Affected: yes.

NM_007317.3(KIF22):c.1449+4C>T

Gene: KIF22 (kinesin family member 22; plus strand). Cytogenetic location: 16p11.2.
Variant type: single nucleotide variant.
Coding change: c.1449+4C>T on transcript NM_007317.3 (MANE Select); 4 bases into the intron after coding-DNA position 1449, C replaced by T.
Molecular consequence: intron variant.
Genome position (GRCh38, 1-based): chr16:29,802,941, C>T. VCF-style: chr16-29802941-C-T. GRCh37 (hg19) VCF-style: chr16-29814262-C-T.
Other names: c.1245+4C>T (NM_001256269.2, NM_001256270.1).
Identifiers: ClinVar variation 789084 (VCV000789084.36), dbSNP rs147785290, ClinGen allele CA7993280.